The following is an entry in ClinVar:

ClinVar aggregate classification (germline): Uncertain significance (1 of 4 stars; one submission).

Conditions:
Hereditary cancer-predisposing syndrome. Also called: Tumor predisposition; Hereditary neoplastic syndrome; Hereditary Cancer Syndrome; Neoplastic Syndromes, Hereditary. Identifiers: Orphanet 140162, MedGen C0027672, MeSH D009386, MONDO:0015356.

Submission:

Ambry Genetics
Classification: Uncertain significance for Hereditary cancer-predisposing syndrome. Last evaluated: 2023-11-23. Review status: criteria provided, single submitter. Criteria: Ambry Variant Classification Scheme 2023. Collection method: clinical testing. Allele origin: germline.
Comment: The p.Y1282C variant (also known as c.3845A>G), located in coding exon 26 of the ALK gene, results from an A to G substitution at nucleotide position 3845. The tyrosine at codon 1282 is replaced by cysteine, an amino acid with highly dissimilar properties. This amino acid position is conserved. In addition, this alteration is predicted to be deleterious by in silico analysis. Since supporting evidence is limited at this time, the clinical significance of this alteration remains unclear.

NM_004304.5(ALK):c.3845A>G (p.Tyr1282Cys)

Gene: ALK (ALK receptor tyrosine kinase; minus strand). Cytogenetic location: 2p23.2.
Variant type: single nucleotide variant.
Coding change: c.3845A>G on transcript NM_004304.5 (MANE Select); coding-DNA position 3845, A replaced by G.
Protein change: p.Tyr1282Cys; replaces tyrosine 1282 with cysteine.
Molecular consequence: missense variant.
Genome position (GRCh38, 1-based): chr2:29,207,264, T>C on the plus strand (A>G on the coding strand, the complement: ALK is on the minus strand). VCF-style: chr2-29207264-T-C. GRCh37 (hg19) VCF-style: chr2-29430130-T-C.
Other names: c.641A>G, p.Tyr214Cys (NM_001353765.2); short protein forms Y1282C, Y214C.
Identifiers: ClinVar variation 3223879 (VCV003223879.1), dbSNP rs2148152236, ClinGen allele CA346469039.